The following is an entry in ClinVar:

NM_000388.4(CASR):c.712G>A (p.Asp238Asn)

Gene: CASR (calcium sensing receptor; plus strand). Cytogenetic location: 3q21.1.
Variant type: single nucleotide variant.
Coding change: c.712G>A on transcript NM_000388.4 (MANE Select); coding-DNA position 712, G replaced by A.
Protein change: p.Asp238Asn; replaces aspartic acid 238 with asparagine.
Molecular consequence: missense variant.
Genome position (GRCh38, 1-based): chr3:122,261,747, G>A. VCF-style: chr3-122261747-G-A. GRCh37 (hg19) VCF-style: chr3-121980594-G-A.
Other names: c.712G>A, p.Asp238Asn (NM_001178065.2); c.712G>A (NM_001178065.1); short protein forms D238N.
Identifiers: ClinVar variation 963952 (VCV000963952.12), dbSNP rs373376842, ClinGen allele CA2569525.

ClinVar aggregate classification (germline): Uncertain significance. Review status: criteria provided, multiple submitters, no conflicts (2 of 4 stars). 3 submissions from 3 submitters: Uncertain significance (3). Last evaluated 2025-11-10.

Conditions:
Nephrolithiasis/nephrocalcinosis. Identifiers: MedGen CN580796.
CASR-related disorder. Also called: CASR-related condition.
Autosomal dominant hypocalcemia 1 (HYPOC1). Also called: HYPOCALCEMIA, FAMILIAL. Identifiers: MedGen C3715128, MONDO:0011013, OMIM 601198.
Familial hypocalciuric hypercalcemia (FHH). Also called: Familial benign hypercalcemia. Identifiers: Orphanet 405, MedGen C1809471, MONDO:0018458.

Allele frequency attached by ClinVar (database versions not stated): gnomAD 0.00001 and 0.00002; gnomAD exomes 0.00001 and 0.00002; ExAC 0.00002; TOPMed 0.00002; ESP Exome Variant Server 0.00008.
gnomAD v4.1: 19 of 1,614,060 alleles (0.0012%); highest among the groups gnomAD compares: Admixed American, 0.0033%; no homozygotes.

Submissions (3):

Labcorp Genetics (formerly Invitae), Labcorp
Classification: Uncertain significance for Familial hypocalciuric hypercalcemia; Autosomal dominant hypocalcemia 1. Last evaluated: 2025-11-10. Review status: criteria provided, single submitter. Criteria: Invitae Variant Classification Sherloc (09022015). Collection method: clinical testing. Allele origin: germline.
Comment: This sequence change replaces aspartic acid, which is acidic and polar, with asparagine, which is neutral and polar, at codon 238 of the CASR protein (p.Asp238Asn). This variant is present in population databases (rs373376842, gnomAD 0.006%). This variant has not been reported in the literature in individuals affected with CASR-related conditions. ClinVar contains an entry for this variant (Variation ID: 963952). An algorithm developed to predict the effect of missense changes on protein structure and function outputs the following: PolyPhen-2: "Benign". The asparagine amino acid residue is found in multiple mammalian species, which suggests that this missense change does not adversely affect protein function. In summary, the available evidence is currently insufficient to determine the role of this variant in disease. Therefore, it has been classified as a Variant of Uncertain Significance.

Ambry Genetics
Classification: Uncertain significance for Nephrolithiasis/nephrocalcinosis. Last evaluated: 2024-08-08. Review status: criteria provided, single submitter. Criteria: Ambry Variant Classification Scheme 2023. Collection method: clinical testing. Allele origin: germline.
Comment: The p.D238N variant (also known as c.712G>A), located in coding exon 3 of the CASR gene, results from a G to A substitution at nucleotide position 712. The aspartic acid at codon 238 is replaced by asparagine, an amino acid with highly similar properties. This amino acid position is not well conserved in available vertebrate species. In addition, this alteration is predicted to be tolerated by in silico analysis. Based on the available evidence, the clinical significance of this variant remains unclear.

PreventionGenetics, part of Exact Sciences
Classification: Uncertain significance for CASR-related condition. Last evaluated: 2023-05-11. Review status: criteria provided, single submitter. Criteria: ACMG Guidelines, 2015. Collection method: clinical testing. Allele origin: germline.
Comment: The CASR c.712G>A variant is predicted to result in the amino acid substitution p.Asp238Asn. To our knowledge, this variant has not been reported in the literature. This variant is reported in 0.0058% of alleles in individuals of Latino descent in gnomAD. At this time, the clinical significance of this variant is uncertain due to the absence of conclusive functional and genetic evidence.